The following is an entry in ClinVar:

NM_004415.4(DSP):c.4578C>A (p.Asn1526Lys)

Gene: DSP (desmoplakin; plus strand). Cytogenetic location: 6p24.3.
Variant type: single nucleotide variant.
Coding change: c.4578C>A on transcript NM_004415.4 (MANE Select); coding-DNA position 4578, C replaced by A.
Protein change: p.Asn1526Lys; replaces asparagine 1526 with lysine.
Molecular consequence: missense variant. On other transcripts: intron variant (2).
Genome position (GRCh38, 1-based): chr6:7,580,768, C>A. VCF-style: chr6-7580768-C-A. GRCh37 (hg19) VCF-style: chr6-7581001-C-A.
Other names: c.4050+528C>A (NM_001319034.2); c.3582+996C>A (NM_001008844.3); short protein forms N1526K.
Identifiers: ClinVar variation 44919 (VCV000044919.35), dbSNP rs28763966, ClinGen allele CA004555.

ClinVar aggregate classification (germline): Benign. Review status: criteria provided, multiple submitters, no conflicts (2 of 4 stars). 14 submissions from 12 submitters: Benign (11). 3 of the submissions do not count toward it. Last evaluated 2026-02-04.

Conditions:
Cardiovascular phenotype. Identifiers: MedGen CN230736.
Cardiomyopathy (CMYO). Also called: Cardiomyopathies. Identifiers: Orphanet 167848, MedGen C0878544, MONDO:0004994, HP:0001638. Inheritance: Various modes of inheritance.
Arrhythmogenic cardiomyopathy with wooly hair and keratoderma. Also called: Dilated cardiomyopathy with woolly hair and keratoderma; Arrhythmogenic cardiomyopathy with woolly hair and keratoderma; PALMOPLANTAR KERATODERMA WITH LEFT VENTRICULAR CARDIOMYOPATHY AND WOOLLY HAIR; Carvajal syndrome. Identifiers: Orphanet 65282, MedGen C1854063, MONDO:0011581, OMIM 605676.
Arrhythmogenic right ventricular dysplasia 8 (ARVD8). Also called: Arrhythmogenic Right Ventricular Dysplasia/Cardiomyopathy 8; ARRHYTHMOGENIC RIGHT VENTRICULAR DYSPLASIA, FAMILIAL, 8; ARRHYTHMOGENIC RIGHT VENTRICULAR CARDIOMYOPATHY 8. Identifiers: MedGen C1843896, MONDO:0011831, OMIM 607450.
Lethal acantholytic epidermolysis bullosa (EBLA). Identifiers: Orphanet 158687, MedGen C1864826, MONDO:0012323, OMIM 609638.
Woolly hair-skin fragility syndrome (WHSF). Identifiers: Orphanet 293165, MedGen C1843292, MONDO:0957307, OMIM 620415.

Allele frequency attached by ClinVar (database versions not stated): gnomAD exomes 0.00437 and 0.01100; ExAC 0.01352; gnomAD 0.04407 and 0.04717; TOPMed 0.04917; 1000 Genomes Project 0.05112; ESP Exome Variant Server 0.05159; 1000 Genomes Project 30x 0.05403.

Submissions (14):

Labcorp Genetics (formerly Invitae), Labcorp
Classification: Benign for Arrhythmogenic cardiomyopathy with wooly hair and keratoderma; Arrhythmogenic right ventricular dysplasia 8. Last evaluated: 2026-02-04. Review status: criteria provided, single submitter. Criteria: Invitae Variant Classification Sherloc (09022015). Collection method: clinical testing. Allele origin: germline.

Molecular Diagnostic Laboratory for Inherited Cardiovascular Disease, Montreal Heart Institute
Classification: Benign. Last evaluated: 2025-02-17. Review status: criteria provided, single submitter. Criteria: ACMG Guidelines, 2015. Collection method: clinical testing. Allele origin: germline. Affected: no.

Color Diagnostics, LLC DBA Color Health
Classification: Benign for Cardiomyopathy. Last evaluated: 2018-03-15. Review status: criteria provided, single submitter. Criteria: ACMG Guidelines, 2015. Collection method: clinical testing. Allele origin: germline.

Illumina Laboratory Services, Illumina
Classification: Benign for Arrhythmogenic cardiomyopathy with wooly hair and keratoderma. Last evaluated: 2018-01-12. Review status: criteria provided, single submitter. Criteria: ICSL Variant Classification Criteria 13 December 2019. Collection method: clinical testing. Allele origin: germline.
Comment: This variant was observed in the ICSL laboratory as part of a predisposition screen in an ostensibly healthy population. It had not been previously curated by ICSL or reported in the Human Gene Mutation Database (HGMD: prior to June 1st, 2018), and was therefore a candidate for classification through an automated scoring system. Utilizing variant allele frequency, disease prevalence and penetrance estimates, and inheritance mode, an automated score was calculated to assess if this variant is too frequent to cause the disease. Based on the score and internal cut-off values, a variant classified as benign is not then subjected to further curation. The score for this variant resulted in a classification of benign for this disease.

Illumina Laboratory Services, Illumina
Classification: Benign for Arrhythmogenic right ventricular dysplasia 8. Last evaluated: 2018-01-12. Review status: criteria provided, single submitter. Criteria: ICSL Variant Classification Criteria 13 December 2019. Collection method: clinical testing. Allele origin: germline.
Comment: the same text as in the submission from Illumina Laboratory Services, Illumina above.

Illumina Laboratory Services, Illumina
Classification: Benign for Lethal acantholytic epidermolysis bullosa. Last evaluated: 2018-01-12. Review status: criteria provided, single submitter. Criteria: ICSL Variant Classification Criteria 13 December 2019. Collection method: clinical testing. Allele origin: germline.
Comment: the same text as in the submission from Illumina Laboratory Services, Illumina above.

Ambry Genetics
Classification: Benign for Cardiovascular phenotype. Last evaluated: 2015-06-26. Review status: criteria provided, single submitter. Criteria: Ambry Variant Classification Scheme 2023. Collection method: clinical testing. Allele origin: germline.

GeneDx
Classification: Benign. Last evaluated: 2015-03-03. Review status: criteria provided, single submitter. Criteria: GeneDx Variant Classification Process June 2021. Collection method: clinical testing. Allele origin: germline. Affected: yes.

Mayo Clinic Laboratories, Mayo Clinic
Classification: Benign. Last evaluated: 2014-03-07. Review status: criteria provided, single submitter. Criteria: ACMG Guidelines, 2015. Collection method: clinical testing. Allele origin: germline. Observed: 63 variant alleles.

Biesecker Lab/Clinical Genomics Section, National Institutes of Health
Classification: Benign. Last evaluated: 2013-06-24. Review status: criteria provided, single submitter. Criteria: Ng et al. (Circ Cardiovasc Genet. 2013). Collection method: research. Allele origin: unknown. Observed: 8 variant alleles. Study: ClinSeq.
Comment: The study set was not selected for affection status in relation to any cancer. Pathogenicity categories were based on literature curation. See Pubmed ID:23861362 for details.

Medical sequencing

Laboratory for Molecular Medicine, Mass General Brigham Personalized Medicine
Classification: Benign. Last evaluated: 2012-02-09. Review status: criteria provided, single submitter. Criteria: LMM Criteria. Collection method: clinical testing. Allele origin: germline. Observed: 86 variant alleles.
Comment: Asn1526Lys in exon 23 of DSP: This variant is classified as benign based on its high frequency in the general population (dbSNP rs28763966; NHLBI Exome Sequenci ng Project). A=565/C=3173

Clinical Genetics DNA and cytogenetics Diagnostics Lab, Erasmus MC, Erasmus Medical Center
Classification: Benign. Review status: no assertion criteria provided. Collection method: clinical testing. Allele origin: germline. Affected: yes. Study: VKGL Data-share Consensus. Not counted in ClinVar's aggregate classification.

Clinical Genetics, Academic Medical Center
Classification: Benign. Review status: no assertion criteria provided. Collection method: clinical testing. Allele origin: germline. Affected: yes. Study: VKGL Data-share Consensus. Not counted in ClinVar's aggregate classification.

Diagnostic Laboratory, Department of Genetics, University Medical Center Groningen
Classification: Benign. Review status: no assertion criteria provided. Collection method: clinical testing. Allele origin: germline. Affected: yes. Study: VKGL Data-share Consensus. Not counted in ClinVar's aggregate classification.

Literature cited by the submitters: PubMed 15210133 (cited by Laboratory for Molecular Medicine, Mass General Brigham Personalized Medicine).